The following is an entry in ClinVar:

NM_000187.4(HGD):c.1112A>G (p.His371Arg)

Gene: HGD (homogentisate 1,2-dioxygenase; minus strand). Cytogenetic location: 3q13.33.
Variant type: single nucleotide variant.
Coding change: c.1112A>G on transcript NM_000187.4 (MANE Select); coding-DNA position 1112, A replaced by G.
Protein change: p.His371Arg; replaces histidine 371 with arginine.
Molecular consequence: missense variant.
Genome position (GRCh38, 1-based): chr3:120,633,223, T>C on the plus strand (A>G on the coding strand, the complement: HGD is on the minus strand). VCF-style: chr3-120633223-T-C. GRCh37 (hg19) VCF-style: chr3-120352070-T-C.
Other names: short protein forms H371R.
Identifiers: ClinVar variation 3172 (VCV000003172.9), dbSNP rs120074172, ClinGen allele CA277917.

ClinVar aggregate classification (germline): Conflicting classifications of pathogenicity. Review status: criteria provided, conflicting classifications (1 of 4 stars). 5 submissions from 5 submitters: Likely pathogenic (2); Uncertain significance (1). 2 of the submissions do not count toward it. Last evaluated 2025-09-30.

Conditions:
Alkaptonuria (AKU). Also called: Alkaptonuric ochronosis; Alcaptonuria; HOMOGENTISIC ACID OXIDASE DEFICIENCY; Homogentisic acidura. Identifiers: Orphanet 56, MedGen C0002066, MONDO:0008753, OMIM 203500.

Allele frequency attached by ClinVar (database versions not stated): gnomAD exomes 0.00001 and 0.00004; ExAC 0.00006; TOPMed 0.00010; gnomAD 0.00012.
gnomAD v4.1: 28 of 1,614,128 alleles (0.0017%); highest among the groups gnomAD compares: African/African-American, 0.032%; no homozygotes.

Submissions (5):

Myriad Genetics, Inc.
Classification: Uncertain significance for Alkaptonuria. Last evaluated: 2025-09-30. Review status: criteria provided, single submitter. Criteria: Myriad Autosomal Dominant, Autosomal Recessive and X-Linked Classification Criteria (2023). Collection method: clinical testing. Allele origin: unknown.
Comment: NM_000187.3(HGD):c.1112A>G(H371R) is a missense variant classified as a variant of uncertain significance in the context of alkaptonuria. H371R has been observed in cases with relevant disease (PMID: 34504318, 10594001). Relevant functional assessments of this variant are not available in the literature. Internal structural analysis of the variant is supportive of pathogenicity. H371R has been observed in referenced population frequency databases. In summary, there is insufficient evidence to classify NM_000187.3(HGD):c.1112A>G(H371R) as pathogenic or benign. Please note: this variant was assessed in the context of healthy population screening.

Fulgent Genetics
Classification: Likely pathogenic for Alkaptonuria. Last evaluated: 2024-03-26. Review status: criteria provided, single submitter. Criteria: ACMG Guidelines, 2015. Collection method: clinical testing. Allele origin: germline.

Labcorp Genetics (formerly Invitae), Labcorp
Classification: Likely pathogenic for Alkaptonuria. Last evaluated: 2024-02-17. Review status: criteria provided, single submitter. Criteria: Invitae Variant Classification Sherloc (09022015). Collection method: clinical testing. Allele origin: germline.
Comment: This sequence change replaces histidine, which is basic and polar, with arginine, which is basic and polar, at codon 371 of the HGD protein (p.His371Arg). This variant is present in population databases (rs120074172, gnomAD 0.03%). This missense change has been observed in individuals with alkapatonuria (PMID: 10594001; Invitae). ClinVar contains an entry for this variant (Variation ID: 3172). Advanced modeling of protein sequence and biophysical properties (such as structural, functional, and spatial information, amino acid conservation, physicochemical variation, residue mobility, and thermodynamic stability) performed at Invitae indicates that this missense variant is expected to disrupt HGD protein function with a positive predictive value of 80%. Experimental studies have shown that this missense change affects HGD function (PMID: 11001939). In summary, the currently available evidence indicates that the variant is pathogenic, but additional data are needed to prove that conclusively. Therefore, this variant has been classified as Likely Pathogenic.

OMIM
Classification: Pathogenic for ALKAPTONURIA. Last evaluated: 1999-12-01. Review status: no assertion criteria provided. Collection method: literature only. Allele origin: germline. Not counted in ClinVar's aggregate classification.

Department Of Human Genetics, Institute Of Clinical And Translational Research, Biomedical Research Center, Slovak Academy Of Sciences
Classification: Pathogenic for Alkaptonuria. Review status: no assertion criteria provided. Collection method: research. Allele origin: germline. Inheritance: Autosomal recessive inheritance. Affected: yes. Observed: 3 variant alleles. Not counted in ClinVar's aggregate classification.
Comment: The variant was originally described in AKU patient in PMID:10594001. It has been submitted to the HGD gene mutation database (DB-ID: AKU_00099).

Literature cited by the submitters: PubMed 10594001 (cited by 4 submitters); PubMed 34504318 (cited by Myriad Genetics, Inc.); PubMed 11001939 (cited by Labcorp Genetics (formerly Invitae), Labcorp).